The following is an entry in ClinVar:

ClinVar aggregate classification (germline): Benign/Likely benign. Review status: criteria provided, multiple submitters, no conflicts (2 of 4 stars). 5 submissions from 5 submitters: Benign (4); Likely benign (1). Last evaluated 2026-01-25.

Conditions:
Maturity-onset diabetes of the young (MODY). Also called: Maturity onset diabetes mellitus in young. Identifiers: Orphanet 552, MedGen C0342276, MONDO:0018911, HP:0004904.

Allele frequency attached by ClinVar (database versions not stated): ExAC 0.00012; gnomAD exomes 0.00013; ESP Exome Variant Server 0.00031; gnomAD 0.00044 and 0.00046; TOPMed 0.00054.
gnomAD v4.1: 171 of 1,613,798 alleles (0.011%); highest among the groups gnomAD compares: African/African-American, 0.17%; 1 homozygote.

Submissions (5):

Labcorp Genetics (formerly Invitae), Labcorp
Classification: Benign. Last evaluated: 2026-01-25. Review status: criteria provided, single submitter. Criteria: Invitae Variant Classification Sherloc (09022015). Collection method: clinical testing. Allele origin: germline.

Blueprint Genetics
Classification: Likely benign. Last evaluated: 2023-05-10. Review status: criteria provided, single submitter. Criteria: ACMG Guidelines, 2015. Collection method: clinical testing. Allele origin: germline.

Women's Health and Genetics/Laboratory Corporation of America, LabCorp
Classification: Benign. Last evaluated: 2022-10-04. Review status: criteria provided, single submitter. Criteria: LabCorp Variant Classification Summary - May 2015. Collection method: clinical testing. Allele origin: germline.
Comment: Variant summary: HNF1A c.1502-7C>T alters a non-conserved nucleotide located close to a canonical splice site and therefore could affect mRNA splicing, leading to a significantly altered protein sequence. 4/4 computational tools predict no significant impact on normal splicing, however, these predictions have yet to be confirmed by functional studies. The variant allele was found at a frequency of 0.00016 in 281978 control chromosomes (gnomAD), predominantly at a frequency of 0.0014 within the African or African-American subpopulation in the gnomAD database. The observed variant frequency within African or African-American control individuals in the gnomAD database is approximately 56 fold of the estimated maximal expected allele frequency for a pathogenic variant in HNF1A causing Maturity Onset Diabetes Of The Young 3 phenotype (2.5e-05), strongly suggesting that the variant is a benign polymorphism found primarily in populations of African or African-American origin. To our knowledge, no occurrence of c.1502-7C>T in individuals affected with Maturity Onset Diabetes Of The Young 3 and no experimental evidence demonstrating its impact on protein function have been reported. Two ClinVar submitters have assessed the variant since 2014: both classified the variant as benign. Based on the evidence outlined above, the variant was classified as benign.

Athena Diagnostics
Classification: Benign. Last evaluated: 2020-12-24. Review status: criteria provided, single submitter. Criteria: Athena Diagnostics criteria. Collection method: clinical testing. Allele origin: unknown.

Clinical Genomics, Uppaluri K&H Personalized Medicine Clinic
Classification: Benign for Maturity-onset diabetes of the young. Review status: criteria provided, single submitter. Criteria: K & H Uppaluri Personalized Medicine Clinic Variant Classification & Assertion Criteria_Updated V.1. Collection method: research. Allele origin: unknown. Inheritance: Autosomal dominant inheritance.
Comment: Mutations in HNF1A gene can predispose to MODY3. It is associated with both micro and macrovascular complications of diabetes, especially cardiovascular complications. Associated with glucosuria. May respond well to sulfonylureas. However, more evidence is required to confer the association of this particular variant rs193922581 with MODY3.

Literature cited by the submitters: PubMed 31517624 (cited by Clinical Genomics, Uppaluri K&H Personalized Medicine Clinic); PubMed 35328643 (cited by Clinical Genomics, Uppaluri K&H Personalized Medicine Clinic); PubMed 32395877 (cited by Clinical Genomics, Uppaluri K&H Personalized Medicine Clinic); PubMed 35673428 (cited by Clinical Genomics, Uppaluri K&H Personalized Medicine Clinic).

NM_000545.8(HNF1A):c.1502-7C>T

Gene: HNF1A (HNF1 homeobox A; plus strand). Cytogenetic location: 12q24.31.
Variant type: single nucleotide variant.
Coding change: c.1502-7C>T on transcript NM_000545.8 (MANE Select); 7 bases into the intron before coding-DNA position 1502, C replaced by T.
Molecular consequence: intron variant.
Genome position (GRCh38, 1-based): chr12:120,999,261, C>T. VCF-style: chr12-120999261-C-T. GRCh37 (hg19) VCF-style: chr12-121437064-C-T.
Other names: c.1502-7C>T (NM_001306179.2).
Identifiers: ClinVar variation 36802 (VCV000036802.14), dbSNP rs193922581, ClinGen allele CA214269.